The following is an entry in ClinVar:

NM_005228.5(EGFR):c.1390T>G (p.Ser464Ala)

Gene: EGFR (epidermal growth factor receptor; plus strand). Cytogenetic location: 7p11.2.
Variant type: single nucleotide variant.
Coding change: c.1390T>G on transcript NM_005228.5 (MANE Select); coding-DNA position 1390, T replaced by G.
Protein change: p.Ser464Ala; replaces serine 464 with alanine.
Molecular consequence: missense variant.
Genome position (GRCh38, 1-based): chr7:55,160,230, T>G. VCF-style: chr7-55160230-T-G. GRCh37 (hg19) VCF-style: chr7-55227923-T-G.
Other names: c.1390T>G (NM_005228.3); c.1255T>G, p.Ser419Ala (NM_001346897.2, NM_001346899.2); c.1390T>G, p.Ser464Ala (NM_001346898.2, NM_201282.2, NM_201284.2); c.1231T>G, p.Ser411Ala (NM_001346900.2); c.589T>G, p.Ser197Ala (NM_001346941.2); short protein forms S197A, S411A, S419A, S464A.
Identifiers: ClinVar variation 1061271 (VCV001061271.10), dbSNP rs746763556, ClinGen allele CA4265569.
Genomic context (GRCh38, chr7:55,160,230, plus strand): 5'-AACATAACATCCTTGGGATTACGCTCCCTCAAGGAGATAAGTGATGGAGATGTGATAATT[T>G]CAGGAAACAAAAATTTGTGCTATGCAAATACAATAAACTGGAAAAAACTGTTTGGGACCT-3'
Protein context (NP_005219.2, residues 454-474): KEISDGDVII[Ser464Ala]GNKNLCYANT

ClinVar aggregate classification (germline): Uncertain significance. Review status: criteria provided, multiple submitters, no conflicts (2 of 4 stars). 2 submissions from 2 submitters: Uncertain significance (2). Last evaluated 2025-11-26.

Conditions:
Hereditary cancer-predisposing syndrome. Also called: Neoplastic Syndromes, Hereditary; Hereditary Cancer Syndrome; Hereditary neoplastic syndrome; Tumor predisposition. Identifiers: Orphanet 140162, MedGen C0027672, MeSH D009386, MONDO:0015356.
EGFR-related lung cancer (EGFR). Identifiers: MedGen CN130014.

Submissions (2):

Ambry Genetics
Classification: Uncertain significance for Hereditary cancer-predisposing syndrome. Last evaluated: 2025-11-26. Review status: criteria provided, single submitter. Criteria: Ambry Variant Classification Scheme 2023. Collection method: clinical testing. Allele origin: germline.
Comment: The p.S464A variant (also known as c.1390T>G), located in coding exon 12 of the EGFR gene, results from a T to G substitution at nucleotide position 1390. The serine at codon 464 is replaced by alanine, an amino acid with similar properties. This amino acid position is conserved. In addition, this alteration is predicted to be tolerated by in silico analysis. Based on the available evidence, the clinical significance of this variant remains unclear.

Labcorp Genetics (formerly Invitae), Labcorp
Classification: Uncertain significance for EGFR-related lung cancer. Last evaluated: 2020-03-07. Review status: criteria provided, single submitter. Criteria: Invitae Variant Classification Sherloc (09022015). Collection method: clinical testing. Allele origin: germline.
Comment: This variant has not been reported in the literature in individuals with EGFR-related conditions. Algorithms developed to predict the effect of missense changes on protein structure and function (SIFT, PolyPhen-2, Align-GVGD) all suggest that this variant is likely to be tolerated, but these predictions have not been confirmed by published functional studies and their clinical significance is uncertain. In summary, the available evidence is currently insufficient to determine the role of this variant in disease. Therefore, it has been classified as a Variant of Uncertain Significance. This variant is present in population databases (rs746763556, ExAC 0.009%). This sequence change replaces serine with alanine at codon 464 of the EGFR protein (p.Ser464Ala). The serine residue is weakly conserved and there is a moderate physicochemical difference between serine and alanine.